The following is an entry in ClinVar:

NM_007194.4(CHEK2):c.1462-3C>T

Gene: CHEK2 (checkpoint kinase 2; minus strand). Cytogenetic location: 22q12.1.
Variant type: single nucleotide variant.
Coding change: c.1462-3C>T on transcript NM_007194.4 (MANE Select); 3 bases into the intron before coding-DNA position 1462, C replaced by T.
Molecular consequence: intron variant.
Genome position (GRCh38, 1-based): chr22:28,689,218, G>A on the plus strand (C>T on the coding strand, the complement: CHEK2 is on the minus strand). VCF-style: chr22-28689218-G-A. GRCh37 (hg19) VCF-style: chr22-29085206-G-A.
Other names: c.799-3C>T (NM_001437942.1, NM_001257387.3); c.1261-3C>T (NM_001349956.3); c.1375-3C>T (NM_145862.3); c.1468-3C>T (NM_001438295.1); c.1555-3C>T (NM_001438293.1); c.1504-3C>T (NM_001438294.1); c.1591-3C>T (NM_001005735.3).
Identifiers: ClinVar variation 230626 (VCV000230626.13), dbSNP rs876658673, ClinGen allele CA10581025.

ClinVar aggregate classification (germline): Conflicting classifications of pathogenicity. Review status: criteria provided, conflicting classifications (1 of 4 stars). 3 submissions from 3 submitters: Uncertain significance (2); Likely benign (1). Last evaluated 2024-01-22.

Conditions:
Familial cancer of breast. Also called: BREAST CANCER, FAMILIAL; hereditary breast carcinoma; Hereditary breast cancer. Identifiers: Orphanet 227535, MedGen C0346153, MONDO:0016419, OMIM 114480. Disease mechanism: loss of function.
Hereditary cancer-predisposing syndrome. Also called: Neoplastic Syndromes, Hereditary; Tumor predisposition; Hereditary Cancer Syndrome; Hereditary neoplastic syndrome. Identifiers: Orphanet 140162, MedGen C0027672, MeSH D009386, MONDO:0015356.

gnomAD v4.1: 1 of 1,547,248 alleles (0.000065%); highest among the groups gnomAD compares: Non-Finnish European, 0.000088%; no homozygotes.

Submissions (3):

GeneDx
Classification: Uncertain significance. Last evaluated: 2024-01-22. Review status: criteria provided, single submitter. Criteria: GeneDx Variant Classification Process June 2021. Collection method: clinical testing. Allele origin: germline. Affected: yes.
Comment: Not observed at significant frequency in large population cohorts (gnomAD); In silico analysis supports that this variant does not alter splicing; Has not been previously published as pathogenic or benign to our knowledge

Labcorp Genetics (formerly Invitae), Labcorp
Classification: Uncertain significance for Familial cancer of breast. Last evaluated: 2023-03-21. Review status: criteria provided, single submitter. Criteria: Invitae Variant Classification Sherloc (09022015). Collection method: clinical testing. Allele origin: germline.
Comment: Variants that disrupt the consensus splice site are a relatively common cause of aberrant splicing (PMID: 17576681, 9536098). Algorithms developed to predict the effect of sequence changes on RNA splicing suggest that this variant is not likely to affect RNA splicing. In summary, the available evidence is currently insufficient to determine the role of this variant in disease. Therefore, it has been classified as a Variant of Uncertain Significance. ClinVar contains an entry for this variant (Variation ID: 230626). This variant has not been reported in the literature in individuals affected with CHEK2-related conditions. This variant is not present in population databases (gnomAD no frequency). This sequence change falls in intron 13 of the CHEK2 gene. It does not directly change the encoded amino acid sequence of the CHEK2 protein. It affects a nucleotide within the consensus splice site.

Ambry Genetics
Classification: Likely benign for Hereditary cancer-predisposing syndrome. Last evaluated: 2022-02-23. Review status: criteria provided, single submitter. Criteria: Ambry Variant Classification Scheme 2023. Collection method: clinical testing. Allele origin: germline.

Literature cited by the submitters: PubMed 17576681 (cited by Labcorp Genetics (formerly Invitae), Labcorp); PubMed 9536098 (cited by Labcorp Genetics (formerly Invitae), Labcorp).